The following is an entry in ClinVar:

NM_025179.4(PLXNA2):c.3164G>T (p.Gly1055Val)

Gene: PLXNA2 (plexin A2; minus strand). Cytogenetic location: 1q32.2.
Variant type: single nucleotide variant.
Coding change: c.3164G>T on transcript NM_025179.4 (MANE Select); coding-DNA position 3164, G replaced by T.
Protein change: p.Gly1055Val; replaces glycine 1055 with valine.
Molecular consequence: missense variant.
Genome position (GRCh38, 1-based): chr1:208,051,100, C>A on the plus strand (G>T on the coding strand, the complement: PLXNA2 is on the minus strand). VCF-style: chr1-208051100-C-A. GRCh37 (hg19) VCF-style: chr1-208224445-C-A.
Other names: short protein forms G1055V.
Identifiers: ClinVar variation 4993392 (VCV004993392.1).

ClinVar aggregate classification (germline): Uncertain significance (1 of 4 stars; one submission).

Conditions:
PLXNA2-related disorder. Also called: PLXNA2-related condition.

Submission:

PreventionGenetics, part of Exact Sciences
Classification: Uncertain significance for PLXNA2-related condition. Last evaluated: 2026-07-06. Review status: criteria provided, single submitter. Criteria: ACMG Guidelines, 2015. Collection method: clinical testing. Allele origin: germline.
Comment: The PLXNA2 c.3164G>T variant is predicted to result in the amino acid substitution p.Gly1055Val. To our knowledge, this variant has not been reported in the literature or in a large population database (gnomAD), indicating this variant is rare. At this time, the clinical significance of this variant is uncertain due to the absence of conclusive functional and genetic evidence.